The following is an entry in ClinVar:

NM_024060.4(AHNAK):c.345C>T (p.Asn115=)

Gene: AHNAK (AHNAK nucleoprotein; minus strand). Cytogenetic location: 11q12.3.
Variant type: single nucleotide variant.
Coding change: c.345C>T on transcript NM_024060.4; coding-DNA position 345, C replaced by T.
Protein change: p.Asn115=; no amino-acid change (asparagine 115 retained).
Molecular consequence: synonymous variant.
Genome position (GRCh38, 1-based): chr11:62,491,829, G>A on the plus strand (C>T on the coding strand, the complement: AHNAK is on the minus strand). VCF-style: chr11-62491829-G-A. GRCh37 (hg19) VCF-style: chr11-62259301-G-A.
Identifiers: ClinVar variation 2641847 (VCV002641847.22), dbSNP rs372112817, ClinGen allele CA6043586.

ClinVar aggregate classification (germline): Likely benign (1 of 4 stars; one submission).

Allele frequency attached by ClinVar (database versions not stated): ExAC 0.00005; TOPMed 0.00016; ESP Exome Variant Server 0.00032; gnomAD exomes 0.00001; gnomAD 0.00015; 1000 Genomes Project 30x 0.00016; 1000 Genomes Project 0.00020.
gnomAD v4.1: 38 of 1,609,948 alleles (0.0024%); highest among the groups gnomAD compares: African/African-American, 0.048%; no homozygotes.

Submission:

CeGaT Center for Human Genetics Tuebingen
Classification: Likely benign. Last evaluated: 2022-12-01. Review status: criteria provided, single submitter. Criteria: CeGaT Center For Human Genetics Tuebingen Variant Classification Criteria Version 2. Collection method: clinical testing. Allele origin: germline. Affected: yes. Observed: 1 variant allele.
Comment: AHNAK: BP4, BP7